The following is an entry in ClinVar:

NM_018127.7(ELAC2):c.1006C>T (p.Pro336Ser)

Gene: ELAC2 (elaC ribonuclease Z 2; minus strand). Cytogenetic location: 17p12.
Variant type: single nucleotide variant.
Coding change: c.1006C>T on transcript NM_018127.7 (MANE Select); coding-DNA position 1006, C replaced by T.
Protein change: p.Pro336Ser; replaces proline 336 with serine.
Molecular consequence: missense variant.
Genome position (GRCh38, 1-based): chr17:13,003,552, G>A on the plus strand (C>T on the coding strand, the complement: ELAC2 is on the minus strand). VCF-style: chr17-13003552-G-A. GRCh37 (hg19) VCF-style: chr17-12906869-G-A.
Other names: c.886C>T, p.Pro296Ser (NM_001165962.2); c.1006C>T, p.Pro336Ser (NM_173717.2); short protein forms P336S, P296S.
Identifiers: ClinVar variation 658423 (VCV000658423.5), dbSNP rs565351884, ClinGen allele CA398225923.
Genomic context (GRCh38, chr17:13,003,552, plus strand): 5'-GCTGGTACCTGCTGTCCACAAGCACAGATGCTGGGGCCATGTGAACCACCAAGGCCACGG[G>A]GGCATCTGCCTTTCCTTGGTACCTGGGCAGAAGAGTGGGGCTTTACAAAGTGATGCAGAC-3'
Protein context (NP_060597.4, residues 326-346): FQRYQGKADA[Pro336Ser]VALVVHMAPA

ClinVar aggregate classification (germline): Uncertain significance (1 of 4 stars; one submission).

Conditions:
Combined oxidative phosphorylation defect type 17. Also called: Combined oxidative phosphorylation deficiency 17. Identifiers: Orphanet 369913, MedGen C3809526, MONDO:0014190, OMIM 615440.

Submission:

Labcorp Genetics (formerly Invitae), Labcorp
Classification: Uncertain significance for Combined oxidative phosphorylation defect type 17. Last evaluated: 2022-09-13. Review status: criteria provided, single submitter. Criteria: Invitae Variant Classification Sherloc (09022015). Collection method: clinical testing. Allele origin: germline.
Comment: ClinVar contains an entry for this variant (Variation ID: 658423). This sequence change replaces proline, which is neutral and non-polar, with serine, which is neutral and polar, at codon 336 of the ELAC2 protein (p.Pro336Ser). This variant is not present in population databases (gnomAD no frequency). This variant has not been reported in the literature in individuals affected with ELAC2-related conditions. Advanced modeling of protein sequence and biophysical properties (such as structural, functional, and spatial information, amino acid conservation, physicochemical variation, residue mobility, and thermodynamic stability) performed at Invitae indicates that this missense variant is not expected to disrupt ELAC2 protein function. In summary, the available evidence is currently insufficient to determine the role of this variant in disease. Therefore, it has been classified as a Variant of Uncertain Significance.